The following is an entry in ClinVar:

NM_015443.4(KANSL1):c.1936C>T (p.Pro646Ser)

Gene: KANSL1 (KAT8 regulatory NSL complex subunit 1). Cytogenetic location: 17q21.31.
Variant type: single nucleotide variant.
Coding change: c.1936C>T on transcript NM_015443.4 (MANE Select); coding-DNA position 1936, C replaced by T.
Protein change: p.Pro646Ser; replaces proline 646 with serine.
Molecular consequence: missense variant.
Genome position (GRCh38, 1-based): chr17:46,050,617, G>A on the plus strand (C>T on the coding strand, the complement: KANSL1 is on the minus strand). VCF-style: chr17-46050617-G-A. GRCh37 (hg19) VCF-style: chr17-44127983-G-A.
Other names: c.1936C>T, p.Pro646Ser (NM_001193465.2, NM_001193466.2, NM_001379198.1 and 14 more transcripts); c.1834C>T, p.Pro612Ser (NM_001405859.1, NM_001405860.1, NM_001405861.1 and 1 more transcripts); c.670C>T, p.Pro224Ser (NM_001405882.1, NM_001405883.1, NM_001405884.1 and 1 more transcripts); short protein forms P646S, P224S, P612S.
Identifiers: ClinVar variation 3345421 (VCV003345421.1).

ClinVar aggregate classification (germline): Uncertain significance (0 of 4 stars; one submission).

Conditions:
KANSL1-related disorder. Also called: KANSL1-related condition.

gnomAD v4.1: 1 of 1,614,174 alleles (0.000062%); highest among the groups gnomAD compares: Middle Eastern, 0.016%; no homozygotes.

Submission:

PreventionGenetics, part of Exact Sciences
Classification: Uncertain significance for KANSL1-related condition. Last evaluated: 2024-06-19. Review status: no assertion criteria provided. Collection method: clinical testing. Allele origin: germline.
Comment: The KANSL1 c.1936C>T variant is predicted to result in the amino acid substitution p.Pro646Ser. To our knowledge, this variant has not been reported in the literature or in a large population database, indicating this variant is rare. At this time, the clinical significance of this variant is uncertain due to the absence of conclusive functional and genetic evidence.